The following is an entry in ClinVar:

NM_012210.4(TRIM32):c.1506del (p.Val504fs)

Genes: ASTN2 (astrotactin 2; minus strand), TRIM32 (tripartite motif containing 32; plus strand). Cytogenetic location: 9q33.1.
Variant type: Deletion.
Coding change: c.1506del on transcript NM_012210.4 (MANE Select); coding-DNA position 1506, one base deleted (A; older notation c.1506delA).
Protein change: p.Val504fs; shifts the reading frame from valine 504.
Molecular consequence: frameshift variant. On other transcripts: intron variant (3).
Genome position (GRCh38, 1-based): chr9:116,699,248, A deleted. VCF-style (leftmost placement, unchanged base first): chr9-116699247-CA-C. GRCh37 (hg19) VCF-style: chr9-119461526-CA-C.
Other names: c.1506delA (NM_012210.4); c.1506del, p.Val504fs (NM_001099679.2, NM_001379048.1, NM_001379049.1 and 1 more transcripts); c.2653+26523del (NM_014010.5); c.2794+26523del (NM_001365069.1); c.2806+26523del (NM_001365068.1); short protein forms V504fs.
Identifiers: ClinVar variation 3897045 (VCV003897045.3).

ClinVar aggregate classification (germline): Likely pathogenic. Review status: criteria provided, multiple submitters, no conflicts (2 of 4 stars). 2 submissions from 2 submitters: Likely pathogenic (2). Last evaluated 2025-01-17.

Conditions:
Sarcotubular myopathy (LGMDR8). Also called: Hutterite type of muscular dystrophy; MUSCULAR DYSTROPHY, LIMB-GIRDLE, AUTOSOMAL RECESSIVE 8; Autosomal recessive limb-girdle muscular dystrophy type 2H; Limb-girdle muscular dystrophy, type 2H. Identifiers: Orphanet 1878, MedGen C0270968, MONDO:0009683, OMIM 254110.

Submissions (2):

Dasa
Classification: Likely pathogenic. Last evaluated: 2025-01-17. Review status: criteria provided, single submitter. Criteria: DASA Assertion Criteria. Collection method: clinical testing. Allele origin: germline.
Comment: NM_012210.4(TRIM32):c.1506del (p.Val504Trpfs*30) is a frameshift variant in TRIM32 predicted to alter the reading frame and introduce a premature termination codon and is predicted to result in an absent or altered protein product. Loss of function is an established disease mechanism for TRIM32-associated disorders. Also, this variant is rare in population databases. Based on the currently available evidence, this variant is classified as likely pathogenic.

Kariminejad - Najmabadi Pathology & Genetics Center
Classification: Likely pathogenic for Sarcotubular myopathy. Last evaluated: 2022-05-07. Review status: criteria provided, single submitter. Criteria: ACMG Guidelines, 2015. Collection method: clinical testing. Allele origin: germline. Inheritance: Autosomal recessive inheritance. Affected: yes.
Comment: PM2, PVS1